The following is an entry in ClinVar:

NM_012088.3(PGLS):c.12G>A (p.Pro4=)

Genes: PGLS (6-phosphogluconolactonase; plus strand), PGLS-DT (PGLS divergent transcript; minus strand). Cytogenetic location: 19p13.11.
Variant type: single nucleotide variant.
Coding change: c.12G>A on transcript NM_012088.3 (MANE Select); coding-DNA position 12, G replaced by A.
Protein change: p.Pro4=; no amino-acid change (proline 4 retained).
Molecular consequence: synonymous variant. On other transcripts: non-coding transcript variant (1).
Genome position (GRCh38, 1-based): chr19:17,511,684, G>A. VCF-style: chr19-17511684-G-A. GRCh37 (hg19) VCF-style: chr19-17622493-G-A.
Other names: p.Pro4=.
Identifiers: ClinVar variation 4684335 (VCV004684335.1).

ClinVar aggregate classification (germline): Likely benign (1 of 4 stars; one submission).

gnomAD v4.1: 709 of 1,491,508 alleles (0.048%); highest among the groups gnomAD compares: Non-Finnish European, 0.043%; 1 homozygote.

Submission:

Mayo Clinic Laboratories, Mayo Clinic
Classification: Likely benign. Last evaluated: 2025-09-11. Review status: criteria provided, single submitter. Criteria: ACMG Guidelines, 2015. Collection method: clinical testing. Allele origin: germline. Observed: 1 variant allele.
Comment: BP4, BP7